The following is an entry in ClinVar:

NM_000481.4(AMT):c.363C>G (p.Asn121Lys)

Gene: AMT (aminomethyltransferase; minus strand). Cytogenetic location: 3p21.31.
Variant type: single nucleotide variant.
Coding change: c.363C>G on transcript NM_000481.4 (MANE Select); coding-DNA position 363, C replaced by G.
Protein change: p.Asn121Lys; replaces asparagine 121 with lysine.
Molecular consequence: missense variant. On other transcripts: non-coding transcript variant (1), intron variant (1).
Genome position (GRCh38, 1-based): chr3:49,420,319, G>C on the plus strand (C>G on the coding strand, the complement: AMT is on the minus strand). VCF-style: chr3-49420319-G-C. GRCh37 (hg19) VCF-style: chr3-49457752-G-C.
Other names: c.195C>G, p.Asn65Lys (NM_001164711.2); c.363C>G, p.Asn121Lys (NM_001164712.2); c.340-531C>G (NM_001164710.2); short protein forms N65K, N121K.
Identifiers: ClinVar variation 5003659 (VCV005003659.1).
Genomic context (GRCh38, chr3:49,420,319, plus strand): 5'-ATACAGGTGGCCCTCAGAAGTATTGGTTACAATCAAGTCATCTAAGATGCCTCCAGCCTC[G>C]TTGGTAAACAGCGACAGTGTCCCCTAGGACCAAAGTGGAGCGTTTTGGCTTCCAGGTCCA-3'
Protein context (NP_000472.2, residues 111-131): PNQGTLSLFT[Asn121Lys]EAGGILDDLI

ClinVar aggregate classification (germline): Uncertain significance (1 of 4 stars; one submission).

Conditions:
Glycine encephalopathy 2 (GCE2). Identifiers: MedGen C5830559, MONDO:0958192, OMIM 620398.

Submission:

Myriad Genetics, Inc.
Classification: Uncertain significance for Glycine encephalopathy 2. Last evaluated: 2026-04-09. Review status: criteria provided, single submitter. Criteria: Myriad Autosomal Dominant, Autosomal Recessive and X-Linked Classification Criteria (2023). Collection method: clinical testing. Allele origin: unknown.
Comment: NM_000481.3(AMT):c.363C>G(N121K) is a missense variant classified as a variant of uncertain significance in the context of glycine encephalopathy, AMT-related. N121K has not been observed in cases with relevant disease. Relevant functional assessments of this variant are not available in the literature. N121K has not been observed in referenced population frequency databases. In summary, there is insufficient evidence to classify NM_000481.3(AMT):c.363C>G(N121K) as pathogenic or benign. Please note: this variant was assessed in the context of healthy population screening.